The following is an entry in ClinVar:

NM_052867.4(NALCN):c.1993C>T (p.Gln665Ter)

Gene: NALCN (sodium leak channel, non-selective; minus strand). Cytogenetic location: 13q33.1.
Variant type: single nucleotide variant.
Coding change: c.1993C>T on transcript NM_052867.4 (MANE Select); coding-DNA position 1993, C replaced by T.
Protein change: p.Gln665Ter; replaces glutamine 665 with a stop codon.
Molecular consequence: nonsense.
Genome position (GRCh38, 1-based): chr13:101,143,205, G>A on the plus strand (C>T on the coding strand, the complement: NALCN is on the minus strand). VCF-style: chr13-101143205-G-A. GRCh37 (hg19) VCF-style: chr13-101795556-G-A.
Other names: c.1993C>T, p.Gln665Ter (NM_001350748.2, NM_001350749.2); c.1906C>T, p.Gln636Ter (NM_001350750.2, NM_001350751.2); short protein forms Q636*, Q665*.
Identifiers: ClinVar variation 4884483 (VCV004884483.1).

ClinVar aggregate classification (germline): Likely pathogenic (1 of 4 stars; one submission).

Conditions:
Hypotonia, infantile, with psychomotor retardation and characteristic facies 1 (INNFD). Identifiers: Orphanet 371364, Orphanet 700336, MedGen C3809454, MONDO:0024567, OMIM 615419.

Submission:

Diagnostics Services (NGS), CSIR - Centre For Cellular And Molecular Biology
Classification: Likely pathogenic for Hypotonia, infantile, with psychomotor retardation and characteristic facies 1. Last evaluated: 2026-07-10. Review status: criteria provided, single submitter. Criteria: ACMG Guidelines, 2015. Collection method: clinical testing. Allele origin: germline. Affected: no. Observed: 2 variant alleles, 2 heterozygotes.
Comment: This variant was identified in a couple as a part of couple carrier screening.